The following is an entry in ClinVar:

ClinVar aggregate classification (germline): Uncertain significance. Review status: criteria provided, multiple submitters, no conflicts (2 of 4 stars). 2 submissions from 2 submitters: Uncertain significance (2). Last evaluated 2025-06-29.

Conditions:
Colorectal cancer, hereditary nonpolyposis, type 7. Identifiers: Orphanet 144, MedGen C1858380, MONDO:0013725, OMIM 614385.

Allele frequency attached by ClinVar (database versions not stated): ExAC 0.00001; gnomAD exomes 0.00001; gnomAD 0.00004; TOPMed 0.00005; ESP Exome Variant Server 0.00008.
gnomAD v4.1: 9 of 1,613,980 alleles (0.00056%); highest among the groups gnomAD compares: African/African-American, 0.012%; no homozygotes.

Submissions (2):

Ambry Genetics
Classification: Uncertain significance. Last evaluated: 2025-06-29. Review status: criteria provided, single submitter. Criteria: Ambry Variant Classification Scheme 2023. Collection method: clinical testing. Allele origin: germline.
Comment: The p.T1119I variant (also known as c.3356C>T), located in coding exon 2 of the MLH3 gene, results from a C to T substitution at nucleotide position 3356. The threonine at codon 1119 is replaced by isoleucine, an amino acid with similar properties. This amino acid position is not well conserved in available vertebrate species. In addition, this alteration is predicted to be tolerated by in silico analysis. Since supporting evidence is limited at this time, the clinical significance of this alteration remains unclear.

Labcorp Genetics (formerly Invitae), Labcorp
Classification: Uncertain significance for Colorectal cancer, hereditary nonpolyposis, type 7. Last evaluated: 2024-04-10. Review status: criteria provided, single submitter. Criteria: Invitae Variant Classification Sherloc (09022015). Collection method: clinical testing. Allele origin: germline.
Comment: This sequence change replaces threonine, which is neutral and polar, with isoleucine, which is neutral and non-polar, at codon 1119 of the MLH3 protein (p.Thr1119Ile). This variant is present in population databases (rs140127407, gnomAD 0.01%). This variant has not been reported in the literature in individuals affected with MLH3-related conditions. ClinVar contains an entry for this variant (Variation ID: 410895). Algorithms developed to predict the effect of missense changes on protein structure and function output the following: SIFT: "Not Available"; PolyPhen-2: "Benign"; Align-GVGD: "Not Available". The isoleucine amino acid residue is found in multiple mammalian species, which suggests that this missense change does not adversely affect protein function. In summary, the available evidence is currently insufficient to determine the role of this variant in disease. Therefore, it has been classified as a Variant of Uncertain Significance.

NM_001040108.2(MLH3):c.3356C>T (p.Thr1119Ile)

Gene: MLH3 (mutL homolog 3; minus strand). Cytogenetic location: 14q24.3.
Variant type: single nucleotide variant.
Coding change: c.3356C>T on transcript NM_001040108.2 (MANE Select); coding-DNA position 3356, C replaced by T.
Protein change: p.Thr1119Ile; replaces threonine 1119 with isoleucine.
Molecular consequence: missense variant.
Genome position (GRCh38, 1-based): chr14:75,042,402, G>A on the plus strand (C>T on the coding strand, the complement: MLH3 is on the minus strand). VCF-style: chr14-75042402-G-A. GRCh37 (hg19) VCF-style: chr14-75509105-G-A.
Other names: c.3356C>T, p.Thr1119Ile (NM_014381.3); short protein forms T1119I.
Identifiers: ClinVar variation 410895 (VCV000410895.12), dbSNP rs140127407, ClinGen allele CA7275523.
Genomic context (GRCh38, chr14:75,042,402, plus strand): 5'-GTGTACTGTGTGCCCCAGCACTCTCTGCCACCCTTACCTCTGTTATCCTGTCTCATCACA[G>A]TCCTCTCTGCTCGAGCTCTCGGAAGGAAAGGAAGAACAAGGTCGCTTCTAAAAGGTTGAC-3'
Protein context (NP_001035197.1, residues 1109-1129): PFLPRARAER[Thr1119Ile]VMRQDNRDTV